The following is an entry in ClinVar:

NM_005138.3(SCO2):c.59_60delinsCA (p.Arg20Pro)

Genes: NCAPH2 (non-SMC condensin II complex subunit H2; plus strand), SCO2 (synthesis of cytochrome C oxidase 2; minus strand). Cytogenetic location: 22q13.33.
Variant type: Indel.
Coding change: c.59_60delinsCA on transcript NM_005138.3 (MANE Select); coding-DNA positions 59 to 60, GG replaced by CA.
Protein change: p.Arg20Pro; replaces arginine 20 with proline.
Molecular consequence: missense variant. On other transcripts: 3 prime UTR variant (2).
Genome position (GRCh38, 1-based): chr22:50,524,352-50,524,353, CC replaced by TG on the plus strand (GG replaced by CA on the coding strand, the reverse complement: SCO2 is on the minus strand). VCF-style: chr22-50524352-CC-TG. GRCh37 (hg19) VCF-style: chr22-50962781-CC-TG.
Other names: c.59_60delinsCA (NM_005138.2); c.*977_*978delinsTG (NM_001185011.2, NM_152299.4); c.59_60delinsCA, p.Arg20Pro (NM_001169109.2, NM_001169110.1, NM_001169111.2); short protein forms R20P.
Identifiers: ClinVar variation 2885252 (VCV002885252.4), dbSNP rs2522477780, ClinGen allele CA2739268037.

ClinVar aggregate classification (germline): Conflicting classifications of pathogenicity. Review status: criteria provided, conflicting classifications (1 of 4 stars). 2 submissions from 2 submitters: Uncertain significance (1); Likely benign (1). Last evaluated 2024-04-25.

Submissions (2):

Labcorp Genetics (formerly Invitae), Labcorp
Classification: Likely benign. Last evaluated: 2024-04-25. Review status: criteria provided, single submitter. Criteria: Invitae Variant Classification Sherloc (09022015). Collection method: clinical testing. Allele origin: germline.

GeneDx
Classification: Uncertain significance. Last evaluated: 2023-04-27. Review status: criteria provided, single submitter. Criteria: GeneDx Variant Classification Process June 2021. Collection method: clinical testing. Allele origin: germline. Affected: yes.
Comment: Not observed at significant frequency in large population cohorts (gnomAD); In silico analysis supports that this variant does not alter protein structure/function; This variant is associated with the following publications: (PMID: 31560770)